The following is an entry in ClinVar:

NM_024642.5(GALNT12):c.446G>T (p.Trp149Leu)

Gene: GALNT12 (polypeptide N-acetylgalactosaminyltransferase 12; plus strand). Cytogenetic location: 9q22.33.
Variant type: single nucleotide variant.
Coding change: c.446G>T on transcript NM_024642.5 (MANE Select); coding-DNA position 446, G replaced by T.
Protein change: p.Trp149Leu; replaces tryptophan 149 with leucine.
Molecular consequence: missense variant.
Genome position (GRCh38, 1-based): chr9:98,823,330, G>T. VCF-style: chr9-98823330-G-T. GRCh37 (hg19) VCF-style: chr9-101585612-G-T.
Other names: c.446G>T (NM_024642.4); short protein forms W149L.
Identifiers: ClinVar variation 2954885 (VCV002954885.4), dbSNP rs755075072, ClinGen allele CA374216726.

ClinVar aggregate classification (germline): Uncertain significance. Review status: criteria provided, multiple submitters, no conflicts (2 of 4 stars). 2 submissions from 2 submitters: Uncertain significance (2). Last evaluated 2024-06-30.

Submissions (2):

Ambry Genetics
Classification: Uncertain significance. Last evaluated: 2024-06-30. Review status: criteria provided, single submitter. Criteria: Ambry Variant Classification Scheme 2023. Collection method: clinical testing. Allele origin: germline.
Comment: The p.W149L variant (also known as c.446G>T), located in coding exon 2 of the GALNT12 gene, results from a G to T substitution at nucleotide position 446. The tryptophan at codon 149 is replaced by leucine, an amino acid with similar properties. This amino acid position is conserved. In addition, the in silico prediction for this alteration is inconclusive. Based on the available evidence, the clinical significance of this variant remains unclear.

Labcorp Genetics (formerly Invitae), Labcorp
Classification: Uncertain significance. Last evaluated: 2023-07-17. Review status: criteria provided, single submitter. Criteria: Invitae Variant Classification Sherloc (09022015). Collection method: clinical testing. Allele origin: germline.
Comment: In summary, the available evidence is currently insufficient to determine the role of this variant in disease. Therefore, it has been classified as a Variant of Uncertain Significance. Algorithms developed to predict the effect of sequence changes on RNA splicing suggest that this variant may create or strengthen a splice site. Advanced modeling of protein sequence and biophysical properties (such as structural, functional, and spatial information, amino acid conservation, physicochemical variation, residue mobility, and thermodynamic stability) performed at Invitae indicates that this missense variant is not expected to disrupt GALNT12 protein function. This variant has not been reported in the literature in individuals affected with GALNT12-related conditions. This variant is not present in population databases (gnomAD no frequency). This sequence change replaces tryptophan, which is neutral and slightly polar, with leucine, which is neutral and non-polar, at codon 149 of the GALNT12 protein (p.Trp149Leu).